The following is an entry in ClinVar:

NM_001346810.2(DLGAP2):c.571A>G (p.Asn191Asp)

Gene: DLGAP2 (DLG associated protein 2; plus strand). Cytogenetic location: 8p23.3.
Variant type: single nucleotide variant.
Coding change: c.571A>G on transcript NM_001346810.2 (MANE Select); coding-DNA position 571, A replaced by G.
Protein change: p.Asn191Asp; replaces asparagine 191 with aspartic acid.
Molecular consequence: missense variant.
Genome position (GRCh38, 1-based): chr8:1,549,024, A>G. VCF-style: chr8-1549024-A-G. GRCh37 (hg19) VCF-style: chr8-1497190-A-G.
Other names: short protein forms N191D.
Identifiers: ClinVar variation 5020556 (VCV005020556.1).
Genomic context (GRCh38, chr8:1,549,024, plus strand): 5'-GACACGCGCGACGACTGCGCTGTGGCCCACGCGGGCGCCAAGATCAACCGCATCCCGGCC[A>G]ACCTGCTGGACCAGTTCGAGAAGCAGCTGCCGCTGCACCGGGACGGCTTCCACACGCTGC-3'
Protein context (NP_001333739.1, residues 181-201): AGAKINRIPA[Asn191Asp]LLDQFEKQLP

ClinVar aggregate classification (germline): Uncertain significance (1 of 4 stars; one submission).

Submission:

Dasa
Classification: Uncertain significance. Last evaluated: 2026-08-06. Review status: criteria provided, single submitter. Criteria: DASA Assertion Criteria. Collection method: clinical testing. Allele origin: germline.
Comment: NM_001346810.2(DLGAP2):c.571A>G (p.Asn191Asp) is a missense variant that results in the substitution of asparagine with aspartic acid. This variant is rare in population databases. The currently available literature and clinical evidence are not sufficient to establish a definitive association between this variant and the reported condition. Therefore, this variant is classified as a variant of uncertain significance.